The following is an entry in ClinVar:

NM_003200.5(TCF3):c.1327G>T (p.Val443Phe)

Gene: TCF3 (transcription factor 3; minus strand). Cytogenetic location: 19p13.3.
Variant type: single nucleotide variant.
Coding change: c.1327G>T on transcript NM_003200.5 (MANE Select); coding-DNA position 1327, G replaced by T.
Protein change: p.Val443Phe; replaces valine 443 with phenylalanine.
Molecular consequence: missense variant.
Genome position (GRCh38, 1-based): chr19:1,619,234, C>A on the plus strand (G>T on the coding strand, the complement: TCF3 is on the minus strand). VCF-style: chr19-1619234-C-A. GRCh37 (hg19) VCF-style: chr19-1619233-C-A.
Other names: c.1327G>T, p.Val443Phe (NM_001136139.4, NM_001351779.2); c.1324G>T, p.Val442Phe (NM_001351778.2); short protein forms V442F, V443F.
Identifiers: ClinVar variation 2754655 (VCV002754655.3), dbSNP rs2513478861, ClinGen allele CA403052527.

ClinVar aggregate classification (germline): Uncertain significance (1 of 4 stars; one submission).

Submission:

Labcorp Genetics (formerly Invitae), Labcorp
Classification: Uncertain significance. Last evaluated: 2023-08-23. Review status: criteria provided, single submitter. Criteria: Invitae Variant Classification Sherloc (09022015). Collection method: clinical testing. Allele origin: germline.
Comment: This sequence change replaces valine, which is neutral and non-polar, with phenylalanine, which is neutral and non-polar, at codon 443 of the TCF3 protein (p.Val443Phe). This variant is not present in population databases (gnomAD no frequency). This variant has not been reported in the literature in individuals affected with TCF3-related conditions. An algorithm developed to predict the effect of missense changes on protein structure and function (PolyPhen-2) suggests that this variant is likely to be disruptive. In summary, the available evidence is currently insufficient to determine the role of this variant in disease. Therefore, it has been classified as a Variant of Uncertain Significance.